The following is an entry in ClinVar:

NM_018706.7(DHTKD1):c.229T>G (p.Phe77Val)

Gene: DHTKD1 (dehydrogenase E1 and transketolase domain containing 1; plus strand). Cytogenetic location: 10p14.
Variant type: single nucleotide variant.
Coding change: c.229T>G on transcript NM_018706.7 (MANE Select); coding-DNA position 229, T replaced by G.
Protein change: p.Phe77Val; replaces phenylalanine 77 with valine.
Molecular consequence: missense variant.
Genome position (GRCh38, 1-based): chr10:12,081,546, T>G. VCF-style: chr10-12081546-T-G. GRCh37 (hg19) VCF-style: chr10-12123545-T-G.
Other names: short protein forms F77V.
Identifiers: ClinVar variation 1424161 (VCV001424161.6), dbSNP rs371209000, ClinGen allele CA5407474.

ClinVar aggregate classification (germline): Uncertain significance (1 of 4 stars; one submission).

Conditions:
2-aminoadipic 2-oxoadipic aciduria (AAKAD). Also called: Aminoadipic aciduria; ALPHA-AMINOADIPIC AND ALPHA-KETOADIPIC ACIDURIA. Identifiers: Orphanet 79154, MedGen C1859817, MONDO:0008774, OMIM 204750.

Allele frequency attached by ClinVar (database versions not stated): gnomAD 0.00001; gnomAD exomes 0.00001 and 0.00003; ExAC 0.00002; TOPMed 0.00002; ESP Exome Variant Server 0.00015.
gnomAD v4.1: 17 of 1,614,030 alleles (0.0011%); highest among the groups gnomAD compares: Non-Finnish European, 0.0014%; no homozygotes.

Submission:

Labcorp Genetics (formerly Invitae), Labcorp
Classification: Uncertain significance for 2-aminoadipic 2-oxoadipic aciduria. Last evaluated: 2025-09-29. Review status: criteria provided, single submitter. Criteria: Invitae Variant Classification Sherloc (09022015). Collection method: clinical testing. Allele origin: germline.
Comment: This sequence change replaces phenylalanine, which is neutral and non-polar, with valine, which is neutral and non-polar, at codon 77 of the DHTKD1 protein (p.Phe77Val). This variant is present in population databases (rs371209000, gnomAD 0.006%). This variant has not been reported in the literature in individuals affected with DHTKD1-related conditions. ClinVar contains an entry for this variant (Variation ID: 1424161). Invitae Evidence Modeling of protein sequence and biophysical properties (such as structural, functional, and spatial information, amino acid conservation, physicochemical variation, residue mobility, and thermodynamic stability) indicates that this missense variant is not expected to disrupt DHTKD1 protein function with a negative predictive value of 80%. In summary, the available evidence is currently insufficient to determine the role of this variant in disease. Therefore, it has been classified as a Variant of Uncertain Significance.